The following is an entry in ClinVar:

ClinVar aggregate classification (germline): Uncertain significance (1 of 4 stars; one submission).

Allele frequency attached by ClinVar (database versions not stated): TOPMed below 0.00001; gnomAD 0.00001; 1000 Genomes Project 30x 0.00031.
gnomAD v4.1: 1 of 1,574,970 alleles (0.000063%); highest among the groups gnomAD compares: Admixed American, 0.0018%; no homozygotes.

Submission:

Labcorp Genetics (formerly Invitae), Labcorp
Classification: Uncertain significance. Last evaluated: 2025-05-05. Review status: criteria provided, single submitter. Criteria: Invitae Variant Classification Sherloc (09022015). Collection method: clinical testing. Allele origin: germline.
Comment: This sequence change replaces glutamic acid, which is acidic and polar, with glycine, which is neutral and non-polar, at codon 1046 of the DNA2 protein (p.Glu1046Gly). This variant is not present in population databases (gnomAD no frequency). This variant has not been reported in the literature in individuals affected with DNA2-related conditions. ClinVar contains an entry for this variant (Variation ID: 1477835). An algorithm developed to predict the effect of missense changes on protein structure and function (PolyPhen-2) suggests that this variant is likely to be tolerated. In summary, the available evidence is currently insufficient to determine the role of this variant in disease. Therefore, it has been classified as a Variant of Uncertain Significance.

NM_001080449.3(DNA2):c.3137A>G (p.Glu1046Gly)

Genes: DNA2 (DNA replication helicase/nuclease 2; minus strand), LOC132089842 (Neanderthal introgressed variant-containing enhancer experimental_16635; plus strand). Cytogenetic location: 10q21.3.
Variant type: single nucleotide variant.
Coding change: c.3137A>G on transcript NM_001080449.3 (MANE Select); coding-DNA position 3137, A replaced by G.
Protein change: p.Glu1046Gly; replaces glutamic acid 1046 with glycine.
Molecular consequence: missense variant. On other transcripts: non-coding transcript variant (1).
Genome position (GRCh38, 1-based): chr10:68,415,085, T>C on the plus strand (A>G on the coding strand, the complement: DNA2 is on the minus strand). VCF-style: chr10-68415085-T-C. GRCh37 (hg19) VCF-style: chr10-70174842-T-C.
Other names: short protein forms E1046G.
Identifiers: ClinVar variation 1477835 (VCV001477835.8), dbSNP rs1273042994, ClinGen allele CA376837283.